The following is an entry in ClinVar:

NM_032444.4(SLX4):c.1844T>C (p.Leu615Pro)

Gene: SLX4 (SLX4 structure-specific endonuclease subunit; minus strand). Cytogenetic location: 16p13.3.
Variant type: single nucleotide variant.
Coding change: c.1844T>C on transcript NM_032444.4 (MANE Select); coding-DNA position 1844, T replaced by C.
Protein change: p.Leu615Pro; replaces leucine 615 with proline.
Molecular consequence: missense variant.
Genome position (GRCh38, 1-based): chr16:3,596,233, A>G on the plus strand (T>C on the coding strand, the complement: SLX4 is on the minus strand). VCF-style: chr16-3596233-A-G. GRCh37 (hg19) VCF-style: chr16-3646234-A-G.
Other names: short protein forms L615P.
Identifiers: ClinVar variation 2135753 (VCV002135753.4), dbSNP rs2548217841, ClinGen allele CA394527197.

ClinVar aggregate classification (germline): Uncertain significance (1 of 4 stars; one submission).

Conditions:
Fanconi anemia (FA). Also called: Fanconi's anemia. Identifiers: Orphanet 84, MedGen C0015625, MeSH D005199, MONDO:0019391.

Submission:

Labcorp Genetics (formerly Invitae), Labcorp
Classification: Uncertain significance for Fanconi anemia. Last evaluated: 2022-06-30. Review status: criteria provided, single submitter. Criteria: Invitae Variant Classification Sherloc (09022015). Collection method: clinical testing. Allele origin: germline.
Comment: In summary, the available evidence is currently insufficient to determine the role of this variant in disease. Therefore, it has been classified as a Variant of Uncertain Significance. Algorithms developed to predict the effect of missense changes on protein structure and function are either unavailable or do not agree on the potential impact of this missense change (SIFT: "Deleterious"; PolyPhen-2: "Probably Damaging"; Align-GVGD: "Class C0"). This variant has not been reported in the literature in individuals affected with SLX4-related conditions. This variant is not present in population databases (gnomAD no frequency). This sequence change replaces leucine, which is neutral and non-polar, with proline, which is neutral and non-polar, at codon 615 of the SLX4 protein (p.Leu615Pro).